The following is an entry in ClinVar:

NM_000038.6(APC):c.929C>T (p.Thr310Ile)

Gene: APC (APC regulator of Wnt signaling pathway; plus strand). Cytogenetic location: 5q22.2.
Variant type: single nucleotide variant.
Coding change: c.929C>T on transcript NM_000038.6 (MANE Select); coding-DNA position 929, C replaced by T.
Protein change: p.Thr310Ile; replaces threonine 310 with isoleucine.
Molecular consequence: missense variant.
Genome position (GRCh38, 1-based): chr5:112,815,589, C>T. VCF-style: chr5-112815589-C-T. GRCh37 (hg19) VCF-style: chr5-112151286-C-T.
Other names: c.929C>T, p.Thr310Ile (NM_001127510.3, NM_001354895.2, NM_001354896.2 and 1 more transcripts); c.875C>T, p.Thr292Ile (NM_001127511.3); c.959C>T, p.Thr320Ile (NM_001354897.2, NM_001354902.2); c.854C>T, p.Thr285Ile (NM_001354898.2, NM_001354904.2); c.845C>T, p.Thr282Ile (NM_001354899.2); c.752C>T, p.Thr251Ile (NM_001354900.2, NM_001354901.2, NM_001354905.2); c.80C>T, p.Thr27Ile (NM_001354906.2); short protein forms T251I, T282I, T320I, T292I, T310I, T27I, T285I.
Identifiers: ClinVar variation 919746 (VCV000919746.4), dbSNP rs1762431084, ClinGen allele CA16023342.

ClinVar aggregate classification (germline): Uncertain significance. Review status: criteria provided, multiple submitters, no conflicts (2 of 4 stars). 2 submissions from 2 submitters: Uncertain significance (2). Last evaluated 2025-06-28.

Conditions:
Hereditary cancer-predisposing syndrome. Also called: Neoplastic Syndromes, Hereditary; Tumor predisposition; Hereditary Cancer Syndrome; Hereditary neoplastic syndrome. Identifiers: Orphanet 140162, MedGen C0027672, MeSH D009386, MONDO:0015356.

Submissions (2):

Ambry Genetics
Classification: Uncertain significance for Hereditary cancer-predisposing syndrome. Last evaluated: 2025-06-28. Review status: criteria provided, single submitter. Criteria: Ambry Variant Classification Scheme 2023. Collection method: clinical testing. Allele origin: germline.
Comment: The p.T310I variant (also known as c.929C>T), located in coding exon 8 of the APC gene, results from a C to T substitution at nucleotide position 929. The threonine at codon 310 is replaced by isoleucine, an amino acid with similar properties. This amino acid position is conserved. In addition, in silico predictors for this gene do not accurately predict pathogenicity. Based on the available evidence, the clinical significance of this variant remains unclear.

Color Diagnostics, LLC DBA Color Health
Classification: Uncertain significance for Hereditary cancer-predisposing syndrome. Last evaluated: 2020-03-19. Review status: criteria provided, single submitter. Criteria: ACMG Guidelines, 2015. Collection method: clinical testing. Allele origin: germline.
Comment: This missense variant replaces threonine with isoleucine at codon 310 of the APC protein. Computational prediction suggests that this variant may have deleterious impact on protein structure and function (internally defined REVEL score threshold >= 0.7, PMID: 27666373). Splice site prediction tools suggest that this variant may not impact RNA splicing. To our knowledge, functional studies have not been reported for this variant. This variant has not been reported in individuals affected with hereditary cancer in the literature. This variant has not been identified in the general population by the Genome Aggregation Database (gnomAD). The available evidence is insufficient to determine the role of this variant in disease conclusively. Therefore, this variant is classified as a Variant of Uncertain Significance.